The following is an entry in ClinVar:

GRCh37/hg19 7q31.1(chr7:107573997-107576546)x0

Gene: LAMB1 (laminin subunit beta 1; minus strand). Cytogenetic location: 7q31.1.
Variant type: copy number loss.
Change: copy number 0 (both copies lost) of chr7:107,573,997-107,576,546 (2.5 kb, GRCh37 coordinates, 1-based), cytogenetic band 7q31.1.
Identifiers: ClinVar variation 4849875 (VCV004849875.1).

ClinVar aggregate classification (germline): Likely pathogenic (1 of 4 stars; one submission).

Conditions:
Cobblestone lissencephaly without muscular or ocular involvement. Also called: Lissencephaly 5; LEUKOENCEPHALOPATHY WITH VARIABLE CORTICAL BRAIN MALFORMATIONS AND/OR HYDROCEPHALUS. Identifiers: Orphanet 352682, MedGen C3554657, MONDO:0014077, OMIM 615191.

Submission:

MVZ Praenatalmedizin und Genetik Nuernberg
Classification: Likely pathogenic for Cobblestone lissencephaly without muscular or ocular involvement. Last evaluated: 2024-03-11. Review status: criteria provided, single submitter. Criteria: ACMG Guidelines, 2015. Collection method: clinical testing. Allele origin: germline. Affected: yes.
Comment: The deletion is expected to result in a premature stop codon and termination of normal protein synthesis after amino acid position 1316. This variant has not yet been described in the ClinVar mutation database, in the literature, or in the population-based gnomAD database (gnomAD SVs v2.1). Truncating mutations (frameshift and nonsense) located further proximal in LAMB1 are classified as likely pathogenic and pathogenic in ClinVar, as are truncating mutations located further distal. However, some of the latter have also been classified as unclear. No assessment by an expert panel is available in this regard. The literature assumes a loss-of-function mechanism and a more severe phenotype for truncating variants than for missense variants in LAMB1; however, a clear genotype-phenotype correlation has not yet been established due to the small number of patients reported to date (PMID: 37466007). In summary, based on the current data, we assess this to be a likely pathogenic genetic variation.

Literature cited by the submitters: PubMed 37466007.